The following is an entry in ClinVar:

NM_001365536.1(SCN9A):c.3140G>A (p.Ser1047Asn)

Genes: SCN1A-AS1 (SCN1A and SCN9A antisense RNA 1; plus strand), SCN9A (sodium voltage-gated channel alpha subunit 9; minus strand). Cytogenetic location: 2q24.3.
Variant type: single nucleotide variant.
Coding change: c.3140G>A on transcript NM_001365536.1 (MANE Select); coding-DNA position 3140, G replaced by A.
Protein change: p.Ser1047Asn; replaces serine 1047 with asparagine.
Molecular consequence: missense variant.
Genome position (GRCh38, 1-based): chr2:166,272,610, C>T on the plus strand (G>A on the coding strand, the complement: SCN9A is on the minus strand). VCF-style: chr2-166272610-C-T. GRCh37 (hg19) VCF-style: chr2-167129120-C-T.
Other names: c.3107G>A, p.Ser1036Asn (NM_002977.4); short protein forms S1036N, S1047N.
Identifiers: ClinVar variation 1463202 (VCV001463202.6), dbSNP rs754268075, ClinGen allele CA59791469.

ClinVar aggregate classification (germline): Uncertain significance (1 of 4 stars; one submission).

Conditions:
Neuropathy, hereditary sensory and autonomic, type 2A (HSAN2A). Also called: WNK1-Related HSAN2 (HSAN2A); HSAN IIA; ACROOSTEOLYSIS, GIACCAI TYPE; ACROOSTEOLYSIS, NEUROGENIC; MORVAN DISEASE; NEUROPATHY, CONGENITAL SENSORY. Identifiers: Orphanet 970, MedGen C2752089, MONDO:0024309, OMIM 201300.
Generalized epilepsy with febrile seizures plus, type 7 (GEFSP7). Also called: GEFS+, TYPE 7. Identifiers: Orphanet 36387, MedGen C2751778, MONDO:0013470, OMIM 613863.

Allele frequency attached by ClinVar (database versions not stated): gnomAD 0.00001.
gnomAD v4.1: 1 of 1,613,300 alleles (0.000062%); highest among the groups gnomAD compares: African/African-American, 0.0013%; no homozygotes.

Submission:

Labcorp Genetics (formerly Invitae), Labcorp
Classification: Uncertain significance for Neuropathy, hereditary sensory and autonomic, type 2A; Generalized epilepsy with febrile seizures plus, type 7. Last evaluated: 2025-08-29. Review status: criteria provided, single submitter. Criteria: Invitae Variant Classification Sherloc (09022015). Collection method: clinical testing. Allele origin: germline.
Comment: This sequence change replaces serine, which is neutral and polar, with asparagine, which is neutral and polar, at codon 1036 of the SCN9A protein (p.Ser1036Asn). This variant is present in population databases (rs754268075, gnomAD 0.01%). This variant has not been reported in the literature in individuals affected with SCN9A-related conditions. ClinVar contains an entry for this variant (Variation ID: 1463202). Invitae Evidence Modeling of protein sequence and biophysical properties (such as structural, functional, and spatial information, amino acid conservation, physicochemical variation, residue mobility, and thermodynamic stability) indicates that this missense variant is not expected to disrupt SCN9A protein function with a negative predictive value of 95%. In summary, the available evidence is currently insufficient to determine the role of this variant in disease. Therefore, it has been classified as a Variant of Uncertain Significance.